The following is an entry in ClinVar:

NM_172250.3(MMAA):c.697G>T (p.Gly233Ter)

Gene: MMAA (metabolism of cobalamin associated A; plus strand). Cytogenetic location: 4q31.21.
Variant type: single nucleotide variant.
Coding change: c.697G>T on transcript NM_172250.3 (MANE Select); coding-DNA position 697, G replaced by T.
Protein change: p.Gly233Ter; replaces glycine 233 with a stop codon.
Molecular consequence: nonsense.
Genome position (GRCh38, 1-based): chr4:145,646,120, G>T. VCF-style: chr4-145646120-G-T. GRCh37 (hg19) VCF-style: chr4-146567272-G-T.
Other names: c.697G>T, p.Gly233Ter (NM_001375644.1); short protein forms G233*.
Identifiers: ClinVar variation 962079 (VCV000962079.7), dbSNP rs1727922828, ClinGen allele CA358356237.

ClinVar aggregate classification (germline): Pathogenic (1 of 4 stars; one submission).

Conditions:
Methylmalonic aciduria, cblA type (MACA). Also called: Methylmalonic aciduria, vitamin B12-responsive; Vitamin B12-responsive methylmalonic acidemia type cblA; Methylmalonic aciduria, vitamin b12-responsive, due to defect in synthesis of adenosylcobalamin, cbla complementation type; MMA cbl A type; Methylmalonic acidemia cblA type. Identifiers: Orphanet 28, Orphanet 79310, MedGen C1855109, MONDO:0009613, OMIM 251100.

Submission:

Labcorp Genetics (formerly Invitae), Labcorp
Classification: Pathogenic for Methylmalonic aciduria, cblA type. Last evaluated: 2019-08-09. Review status: criteria provided, single submitter. Criteria: Invitae Variant Classification Sherloc (09022015). Collection method: clinical testing. Allele origin: germline.
Comment: Loss-of-function variants in MMAA are known to be pathogenic (PMID: 15523652, 15781192). This sequence change creates a premature translational stop signal (p.Gly233*) in the MMAA gene. It is expected to result in an absent or disrupted protein product. This variant is not present in population databases (ExAC no frequency). This variant has not been reported in the literature in individuals with MMAA-related conditions. For these reasons, this variant has been classified as Pathogenic.

Literature cited by the submitters: PubMed 15523652; PubMed 15781192.